The following is an entry in ClinVar:

ClinVar aggregate classification (germline): Likely benign. Review status: criteria provided, multiple submitters, no conflicts (2 of 4 stars). 2 submissions from 2 submitters: Likely benign (2). Last evaluated 2023-02-01.

Conditions:
Benign neonatal seizures. Also called: Benign familial neonatal epilepsy; Convulsions benign familial neonatal dominant form; Autosomal dominant form of benign neonatal seizures; Benign familial neonatal seizures; Benign neonatal familial convulsions. Identifiers: Orphanet 1949, MedGen C0220669, MONDO:0016027.

Allele frequency attached by ClinVar (database versions not stated): TOPMed below 0.00001; gnomAD 0.00001; gnomAD exomes 0.00001 and 0.00002; ExAC 0.00002.
gnomAD v4.1: 26 of 1,614,060 alleles (0.0016%); highest among the groups gnomAD compares: Non-Finnish European, 0.0021%; no homozygotes.

Submissions (2):

Labcorp Genetics (formerly Invitae), Labcorp
Classification: Likely benign for Benign neonatal seizures. Last evaluated: 2023-02-01. Review status: criteria provided, single submitter. Criteria: Invitae Variant Classification Sherloc (09022015). Collection method: clinical testing. Allele origin: germline.

GeneDx
Classification: Likely benign. Last evaluated: 2017-01-17. Review status: criteria provided, single submitter. Criteria: GeneDx Variant Classification (06012015). Collection method: clinical testing. Allele origin: germline. Affected: yes.
Comment: This variant is considered likely benign or benign based on one or more of the following criteria: it is a conservative change, it occurs at a poorly conserved position in the protein, it is predicted to be benign by multiple in silico algorithms, and/or has population frequency not consistent with disease.

NM_004519.4(KCNQ3):c.891A>G (p.Lys297=)

Gene: KCNQ3 (potassium voltage-gated channel subfamily Q member 3; minus strand). Cytogenetic location: 8q24.22.
Variant type: single nucleotide variant.
Coding change: c.891A>G on transcript NM_004519.4 (MANE Select); coding-DNA position 891, A replaced by G.
Protein change: p.Lys297=; no amino-acid change (lysine 297 retained).
Molecular consequence: synonymous variant.
Genome position (GRCh38, 1-based): chr8:132,175,495, T>C on the plus strand (A>G on the coding strand, the complement: KCNQ3 is on the minus strand). VCF-style: chr8-132175495-T-C. GRCh37 (hg19) VCF-style: chr8-133187742-T-C.
Other names: c.531A>G, p.Lys177= (NM_001204824.2).
Identifiers: ClinVar variation 378035 (VCV000378035.9), dbSNP rs757426539, ClinGen allele CA4880819.